The following is an entry in ClinVar:

NM_130468.4(CHST14):c.628C>G (p.Leu210Val)

Gene: CHST14 (carbohydrate sulfotransferase 14; plus strand). Cytogenetic location: 15q15.1.
Variant type: single nucleotide variant.
Coding change: c.628C>G on transcript NM_130468.4 (MANE Select); coding-DNA position 628, C replaced by G.
Protein change: p.Leu210Val; replaces leucine 210 with valine.
Molecular consequence: missense variant.
Genome position (GRCh38, 1-based): chr15:40,471,841, C>G. VCF-style: chr15-40471841-C-G. GRCh37 (hg19) VCF-style: chr15-40764040-C-G.
Other names: short protein forms L210V.
Identifiers: ClinVar variation 862106 (VCV000862106.7), dbSNP rs1894353259, ClinGen allele CA391766476.

ClinVar aggregate classification (germline): Uncertain significance (1 of 4 stars; one submission).

Conditions:
Ehlers-Danlos syndrome, musculocontractural type (EDSMC). Also called: ADDUCTED THUMB-CLUBFOOT SYNDROME; ARTHROGRYPOSIS, DISTAL, WITH PECULIAR FACIES AND HYDRONEPHROSIS; Adducted thumb, clubfoot, progressive joint and skin laxity syndrome; DUNDAR SYNDROME. Identifiers: Orphanet 2953, MedGen C1866294, MONDO:0011142.

Submission:

Labcorp Genetics (formerly Invitae), Labcorp
Classification: Uncertain significance for Ehlers-Danlos syndrome, musculocontractural type. Last evaluated: 2021-09-01. Review status: criteria provided, single submitter. Criteria: Invitae Variant Classification Sherloc (09022015). Collection method: clinical testing. Allele origin: germline.
Comment: This sequence change replaces leucine with valine at codon 210 of the CHST14 protein (p.Leu210Val). The leucine residue is moderately conserved and there is a small physicochemical difference between leucine and valine. This variant is not present in population databases (ExAC no frequency). This variant has not been reported in the literature in individuals affected with CHST14-related conditions. Algorithms developed to predict the effect of missense changes on protein structure and function (SIFT, PolyPhen-2, Align-GVGD) all suggest that this variant is likely to be tolerated. In summary, the available evidence is currently insufficient to determine the role of this variant in disease. Therefore, it has been classified as a Variant of Uncertain Significance.